The following is an entry in ClinVar:

NM_014956.5(CEP164):c.2656G>C (p.Gly886Arg)

Gene: CEP164 (centrosomal protein 164; plus strand). Cytogenetic location: 11q23.3.
Variant type: single nucleotide variant.
Coding change: c.2656G>C on transcript NM_014956.5 (MANE Select); coding-DNA position 2656, G replaced by C.
Protein change: p.Gly886Arg; replaces glycine 886 with arginine.
Molecular consequence: missense variant.
Genome position (GRCh38, 1-based): chr11:117,394,389, G>C. VCF-style: chr11-117394389-G-C. GRCh37 (hg19) VCF-style: chr11-117265105-G-C.
Other names: c.2665G>C, p.Gly889Arg (NM_001271933.2); c.2656G>C (NM_014956.4); short protein forms G889R, G886R.
Identifiers: ClinVar variation 3599073 (VCV003599073.2).

ClinVar aggregate classification (germline): Uncertain significance. Review status: criteria provided, multiple submitters, no conflicts (2 of 4 stars). 2 submissions from 2 submitters: Uncertain significance (2). Last evaluated 2026-06-28.

Conditions:
CEP164-related disorder. Also called: CEP164-related condition.
Nephronophthisis 15 (NPHP15). Identifiers: Orphanet 3156, MedGen C3541853, MONDO:0013917, OMIM 614845.

gnomAD v4.1: 4 of 1,610,520 alleles (0.00025%); highest among the groups gnomAD compares: Non-Finnish European, 0.00034%; no homozygotes.

Submissions (2):

PreventionGenetics, part of Exact Sciences
Classification: Uncertain significance for CEP164-related condition. Last evaluated: 2026-06-28. Review status: criteria provided, single submitter. Criteria: ACMG Guidelines, 2015. Collection method: clinical testing. Allele origin: germline.
Comment: The CEP164 c.2656G>C variant is predicted to result in the amino acid substitution p.Gly886Arg. To our knowledge, this variant has not been reported in the literature or in a large population database (gnomAD), indicating this variant is rare. At this time, the clinical significance of this variant is uncertain due to the absence of conclusive functional and genetic evidence.

Fulgent Genetics
Classification: Uncertain significance for Nephronophthisis 15. Last evaluated: 2024-01-13. Review status: criteria provided, single submitter. Criteria: ACMG Guidelines, 2015. Collection method: clinical testing. Allele origin: germline.